The following is an entry in ClinVar:

NM_001195553.2(DCX):c.1044+4T>C

Gene: DCX (doublecortin; minus strand). Cytogenetic location: Xq23.
Variant type: single nucleotide variant.
Coding change: c.1044+4T>C on transcript NM_001195553.2 (MANE Select); 4 bases into the intron after coding-DNA position 1044, T replaced by C.
Molecular consequence: intron variant.
Genome position (GRCh38, 1-based): chrX:111,312,635, A>G on the plus strand (T>C on the coding strand, the complement: DCX is on the minus strand). VCF-style: chrX-111312635-A-G. GRCh37 (hg19) VCF-style: chrX-110555863-A-G.
Other names: c.932-10892T>C (NM_001369373.1, NM_001369374.1); c.1026+7T>C (NM_178153.3, NM_178151.3); c.1029+4T>C (NM_001369372.1); c.947-10892T>C (NM_001410715.1); c.1041+7T>C (NM_178152.3, NM_001369371.1); c.1044+4T>C (NM_001369370.1); c.1269+7T>C (NM_000555.3).
Identifiers: ClinVar variation 3040860 (VCV003040860.5), dbSNP rs200720747, ClinGen allele CA10493241.
Genomic context (GRCh38, chrX:111,312,635, plus strand): 5'-AACCTTCACCAAGCCATTCAGGAAACTGAGTGCAAAGAGGTTTAGTAAGGTATAAGAGAC[A>G]TAATACCTTGTGCTTCCGGAGGCTGCCAGGACTGGTGGGCGTAGAGATGGGAGACTGCTT-3'

ClinVar aggregate classification (germline): Benign/Likely benign. Review status: criteria provided, multiple submitters, no conflicts (2 of 4 stars). 3 submissions from 3 submitters: Benign (1); Likely benign (1). 1 of the submissions does not count toward it. Last evaluated 2025-11-24.

Conditions:
DCX-related disorder. Also called: DCX-related condition; DCX-Related Disorders. Identifiers: MedGen CN381525.

Allele frequency attached by ClinVar (database versions not stated): gnomAD exomes 0.00017; TOPMed 0.00026; gnomAD 0.00032; ExAC 0.00077; 1000 Genomes Project 0.00132; 1000 Genomes Project 30x 0.00208.
gnomAD v4.1: 226 of 1,205,370 alleles (0.019%); highest among the groups gnomAD compares: East Asian, 0.49%; 1 homozygote.

Submissions (3):

Labcorp Genetics (formerly Invitae), Labcorp
Classification: Benign. Last evaluated: 2025-11-24. Review status: criteria provided, single submitter. Criteria: Invitae Variant Classification Sherloc (09022015). Collection method: clinical testing. Allele origin: germline.

Blueprint Genetics
Classification: Likely benign. Last evaluated: 2024-08-04. Review status: criteria provided, single submitter. Criteria: ACMG Guidelines, 2015. Collection method: clinical testing. Allele origin: germline.

PreventionGenetics, part of Exact Sciences
Classification: Likely benign for DCX-related condition. Last evaluated: 2020-06-10. Review status: no assertion criteria provided. Collection method: clinical testing. Allele origin: germline. Not counted in ClinVar's aggregate classification.
Comment: This variant is classified as likely benign based on ACMG/AMP sequence variant interpretation guidelines (Richards et al. 2015 PMID: 25741868, with internal and published modifications).